The following is an entry in ClinVar:

ClinVar aggregate classification (germline): Benign. Review status: criteria provided, multiple submitters, no conflicts (2 of 4 stars). 2 submissions from 2 submitters: Benign (2). Last evaluated 2018-06-14.

Allele frequency attached by ClinVar (database versions not stated): 1000 Genomes Project 30x 0.08354; 1000 Genomes Project 0.08427; gnomAD exomes 0.08886; TOPMed 0.09468; gnomAD 0.09577 and 0.09835.
gnomAD v4.1: 125,003 of 1,400,058 alleles (8.9%); highest among the groups gnomAD compares: African/African-American, 12%; 5,901 homozygotes.

Submissions (2):

GeneDx
Classification: Benign. Last evaluated: 2018-06-14. Review status: criteria provided, single submitter. Criteria: GeneDx Variant Classification (06012015). Collection method: clinical testing. Allele origin: germline. Affected: yes.
Comment: This variant is considered likely benign or benign based on one or more of the following criteria: it is a conservative change, it occurs at a poorly conserved position in the protein, it is predicted to be benign by multiple in silico algorithms, and/or has population frequency not consistent with disease.

Breakthrough Genomics
Classification: Benign. Review status: criteria provided, single submitter. Criteria: ACMG Guidelines, 2015. Collection method: not provided. Allele origin: germline. Inheritance: Autosomal dominant inheritance. Affected: yes.

NM_000264.5(PTCH1):c.3449+129A>G

Gene: PTCH1 (patched 1; minus strand). Cytogenetic location: 9q22.32.
Variant type: single nucleotide variant.
Coding change: c.3449+129A>G on transcript NM_000264.5 (MANE Select); 129 bases into the intron after coding-DNA position 3449, A replaced by G.
Molecular consequence: intron variant.
Genome position (GRCh38, 1-based): chr9:95,453,349, T>C on the plus strand (A>G on the coding strand, the complement: PTCH1 is on the minus strand). VCF-style: chr9-95453349-T-C. GRCh37 (hg19) VCF-style: chr9-98215631-T-C.
Other names: c.3446+129A>G (NM_001083603.3); c.3251+129A>G (NM_001083602.3); c.3293+129A>G (NM_001354918.2); c.2996+129A>G (NM_001083605.3, NM_001083604.3, NM_001083606.3 and 1 more transcripts).
Identifiers: ClinVar variation 677054 (VCV000677054.2), dbSNP rs28583690, ClinGen allele CA16368242.